The following is an entry in ClinVar:

ClinVar aggregate classification (germline): Uncertain significance. Review status: criteria provided, multiple submitters, no conflicts (2 of 4 stars). 3 submissions from 3 submitters: Uncertain significance (3). Last evaluated 2024-05-27.

Conditions:
Cardiovascular phenotype. Identifiers: MedGen CN230736.

Allele frequency attached by ClinVar (database versions not stated): gnomAD 0.00001 and below 0.00001; gnomAD exomes 0.00001; ExAC below 0.00001; TOPMed 0.00001.
gnomAD v4.1: 11 of 1,553,080 alleles (0.00071%); highest among the groups gnomAD compares: South Asian, 0.0084%; no homozygotes.

Submissions (3):

Revvity Omics, Revvity
Classification: Uncertain significance. Last evaluated: 2024-05-27. Review status: criteria provided, single submitter. Criteria: ACMG Guidelines, 2015. Collection method: clinical testing. Allele origin: germline.

Ambry Genetics
Classification: Uncertain significance for Cardiovascular phenotype. Last evaluated: 2019-06-27. Review status: criteria provided, single submitter. Criteria: Ambry Variant Classification Scheme 2023. Collection method: clinical testing. Allele origin: germline.
Comment: The p.I10217V variant (also known as c.30649A>G), located in coding exon 122 of the TTN gene, results from an A to G substitution at nucleotide position 30649. The isoleucine at codon 10217 is replaced by valine, an amino acid with highly similar properties. This amino acid position is well conserved in available vertebrate species; however, valine is the reference amino acid in other vertebrate species. In addition, this alteration is predicted to be tolerated by in silico analysis. Since supporting evidence is limited at this time, the clinical significance of this alteration remains unclear.

GeneDx
Classification: Uncertain significance. Last evaluated: 2016-11-28. Review status: criteria provided, single submitter. Criteria: GeneDx Variant Classification (06012015). Collection method: clinical testing. Allele origin: germline. Affected: yes.
Comment: A variant of uncertain significance has been identified in the TTN gene. The I17641V variant has not been published as a pathogenic variant, nor has it been reported as a benign variant to our knowledge. The I17641V variant was not observed in approximately 6000 individuals of European and African American ancestry in the NHLBI Exome Sequencing Project, indicating it is not a common benign variant in these populations. The I17641V variant is a conservative amino acid substitution, which is not likely to impact secondary protein structure as these residues share similar properties. This substitution occurs at a position where amino acids with similar properties to isoleucine, including valine, are tolerated across species. Additionally, the adenine nucleotide at this coding position is not conserved across species, where guanine is wild type in at least one other species. In silico analysis is inconsistent in its predictions as to whether or not the variant is damaging to the protein structure/function.

NM_001267550.2(TTN):c.57844A>G (p.Ile19282Val)

Genes: TTN (titin; minus strand), TTN-AS1 (TTN antisense RNA 1; plus strand). Cytogenetic location: 2q31.2.
Variant type: single nucleotide variant.
Coding change: c.57844A>G on transcript NM_001267550.2 (MANE Select); coding-DNA position 57844, A replaced by G.
Protein change: p.Ile19282Val; replaces isoleucine 19282 with valine.
Molecular consequence: missense variant.
Genome position (GRCh38, 1-based): chr2:178,595,510, T>C on the plus strand (A>G on the coding strand, the complement: TTN is on the minus strand). VCF-style: chr2-178595510-T-C. GRCh37 (hg19) VCF-style: chr2-179460237-T-C.
Other names: c.52921A>G, p.Ile17641Val (NM_001256850.1); c.30649A>G, p.Ile10217Val (NM_003319.4); c.50140A>G, p.Ile16714Val (NM_133378.4); c.31024A>G, p.Ile10342Val (NM_133432.3); c.31225A>G, p.Ile10409Val (NM_133437.4); short protein forms I17641V, I19282V, I10409V, I10342V, I16714V, I10217V.
Identifiers: ClinVar variation 373520 (VCV000373520.6), dbSNP rs779849364, ClinGen allele CA1992990.